The following is an entry in ClinVar:

NM_020921.4(NIN):c.1583T>A (p.Leu528Gln)

Gene: NIN (ninein; minus strand). Cytogenetic location: 14q22.1.
Variant type: single nucleotide variant.
Coding change: c.1583T>A on transcript NM_020921.4 (MANE Select); coding-DNA position 1583, T replaced by A.
Protein change: p.Leu528Gln; replaces leucine 528 with glutamine.
Molecular consequence: missense variant.
Genome position (GRCh38, 1-based): chr14:50,766,359, A>T on the plus strand (T>A on the coding strand, the complement: NIN is on the minus strand). VCF-style: chr14-50766359-A-T. GRCh37 (hg19) VCF-style: chr14-51233077-A-T.
Other names: c.1583T>A, p.Leu528Gln (NM_016350.5, NM_182944.3, NM_182946.2); short protein forms L528Q.
Identifiers: ClinVar variation 2725639 (VCV002725639.3), dbSNP rs200345108, ClinGen allele CA7182153.

ClinVar aggregate classification (germline): Uncertain significance (1 of 4 stars; one submission).

Allele frequency attached by ClinVar (database versions not stated): gnomAD 0.00002; gnomAD exomes 0.00002; ExAC 0.00003; 1000 Genomes Project 30x 0.00016; 1000 Genomes Project 0.00020.
gnomAD v4.1: 38 of 1,614,134 alleles (0.0024%); highest among the groups gnomAD compares: Admixed American, 0.0033%; no homozygotes.

Submission:

Labcorp Genetics (formerly Invitae), Labcorp
Classification: Uncertain significance. Last evaluated: 2024-10-23. Review status: criteria provided, single submitter. Criteria: Invitae Variant Classification Sherloc (09022015). Collection method: clinical testing. Allele origin: germline.
Comment: This sequence change replaces leucine, which is neutral and non-polar, with glutamine, which is neutral and polar, at codon 528 of the NIN protein (p.Leu528Gln). This variant is present in population databases (rs200345108, gnomAD 0.006%). This variant has not been reported in the literature in individuals affected with NIN-related conditions. An algorithm developed to predict the effect of missense changes on protein structure and function (PolyPhen-2) suggests that this variant is likely to be disruptive. In summary, the available evidence is currently insufficient to determine the role of this variant in disease. Therefore, it has been classified as a Variant of Uncertain Significance.